The following is an entry in ClinVar:

NM_013254.4(TBK1):c.1341-10_1341-6del

Gene: TBK1 (TANK binding kinase 1; plus strand). Cytogenetic location: 12q14.2.
Variant type: Deletion.
Coding change: c.1341-10_1341-6del on transcript NM_013254.4 (MANE Select); 10 bases into the intron before coding-DNA position 1341 through 6 bases into the intron before coding-DNA position 1341, 5 bases deleted (CTTTT; older notation c.1341-10_1341-6delCTTTT).
Molecular consequence: intron variant.
Genome position (GRCh38, 1-based): chr12:64,488,477-64,488,481, CTTTT deleted; deleting any 5 consecutive bases within chr12:64,488,473-64,488,481 gives the same sequence; the c. name uses the placement nearest the transcript's 3' end. VCF-style (leftmost placement, unchanged base first): chr12-64488472-ATTTTC-A. GRCh37 (hg19) VCF-style: chr12-64882252-ATTTTC-A.
Identifiers: ClinVar variation 3352082 (VCV003352082.1).

ClinVar aggregate classification (germline): Uncertain significance (0 of 4 stars; one submission).

Conditions:
TBK1-related disorder. Also called: TBK1-related condition.

Submission:

PreventionGenetics, part of Exact Sciences
Classification: Uncertain significance for TBK1-related condition. Last evaluated: 2024-06-27. Review status: no assertion criteria provided. Collection method: clinical testing. Allele origin: germline.
Comment: The TBK1 c.1341-10_1341-6del5 variant is predicted to result in an intronic deletion. This variant is predicted to impact the acceptor splice site based on computational modeling; however, the impact of this variant has not been functionally validated (SpliceAI, Jaganathan et al. 2019. PubMed ID: 30661751). To our knowledge, this variant has not been reported in the literature or in a large population database, indicating this variant is rare. At this time, the clinical significance of this variant is uncertain due to the absence of conclusive functional and genetic evidence.